The following is an entry in ClinVar:

NM_001999.4(FBN2):c.3812G>T (p.Gly1271Val)

Gene: FBN2 (fibrillin 2; minus strand). Cytogenetic location: 5q23.3.
Variant type: single nucleotide variant.
Coding change: c.3812G>T on transcript NM_001999.4 (MANE Select); coding-DNA position 3812, G replaced by T.
Protein change: p.Gly1271Val; replaces glycine 1271 with valine.
Molecular consequence: missense variant.
Genome position (GRCh38, 1-based): chr5:128,335,490, C>A on the plus strand (G>T on the coding strand, the complement: FBN2 is on the minus strand). VCF-style: chr5-128335490-C-A. GRCh37 (hg19) VCF-style: chr5-127671182-C-A.
Other names: short protein forms G1271V.
Identifiers: ClinVar variation 3773733 (VCV003773733.2).

ClinVar aggregate classification (germline): Likely pathogenic (1 of 4 stars; one submission).

Conditions:
Congenital contractural arachnodactyly (CCA). Also called: Arthrogryposis, distal, type 9; BEALS SYNDROME; Beals-Hecht syndrome. Identifiers: Orphanet 115, MedGen C0220668, MONDO:0007363, OMIM 121050.

Submission:

Institute of Human Genetics, University of Leipzig Medical Center
Classification: Likely pathogenic for Congenital contractural arachnodactyly. Last evaluated: 2025-03-04. Review status: criteria provided, single submitter. Criteria: ACMG Guidelines, 2015. Collection method: clinical testing. Allele origin: unknown. Inheritance: Autosomal dominant inheritance. Affected: yes.
Comment: Criteria applied: PM2,PM5,PP2,PP3